The following is an entry in ClinVar:

ClinVar aggregate classification (germline): Likely benign. Review status: criteria provided, multiple submitters, no conflicts (2 of 4 stars). 3 submissions from 3 submitters: Likely benign (3). Last evaluated 2026-02-01.

Conditions:
Developmental and epileptic encephalopathy, 1 (DEE1). Also called: Epileptic encephalopathy, early infantile, 1; X-linked infantile spasms; West's syndrome; Tonic spasms with clustering, arrest of psychomotor development and hypsarrhythmia on EEG; X-Linked Infantile Spasm Syndrome; OHTAHARA SYNDROME, X-LINKED. Identifiers: MedGen C3463992, MONDO:0010632, OMIM 308350. Disease mechanism: loss of function.
Autosomal dominant nonsyndromic hearing loss 65. Also called: TBC1D24-Related Autosomal Dominant Nonsyndromic Hearing Loss (DFNA); Deafness, autosomal dominant 65. Identifiers: Orphanet 90635, MedGen C3892048, MONDO:0014470, OMIM 616044.

Allele frequency attached by ClinVar (database versions not stated): TOPMed 0.00008.
gnomAD v4.1: 60 of 1,612,734 alleles (0.0037%); highest among the groups gnomAD compares: Admixed American, 0.08%; no homozygotes.

Submissions (3):

CeGaT Center for Human Genetics Tuebingen
Classification: Likely benign. Last evaluated: 2026-02-01. Review status: criteria provided, single submitter. Criteria: CeGaT Center For Human Genetics Tuebingen Variant Classification Criteria Version 2. Collection method: clinical testing. Allele origin: germline. Affected: yes. Observed: 1 variant allele.
Comment: TBC1D24: BP4, BP7

Labcorp Genetics (formerly Invitae), Labcorp
Classification: Likely benign for Developmental and epileptic encephalopathy, 1; Autosomal dominant nonsyndromic hearing loss 65. Last evaluated: 2024-12-15. Review status: criteria provided, single submitter. Criteria: Invitae Variant Classification Sherloc (09022015). Collection method: clinical testing. Allele origin: germline.

GeneDx
Classification: Likely benign. Last evaluated: 2018-04-17. Review status: criteria provided, single submitter. Criteria: GeneDx Variant Classification (06012015). Collection method: clinical testing. Allele origin: germline. Affected: yes.
Comment: This variant is considered likely benign or benign based on one or more of the following criteria: it is a conservative change, it occurs at a poorly conserved position in the protein, it is predicted to be benign by multiple in silico algorithms, and/or has population frequency not consistent with disease.

NM_001199107.2(TBC1D24):c.1641C>T (p.Ala547=)

Gene: TBC1D24 (TBC1 domain family member 24; plus strand). Cytogenetic location: 16p13.3.
Variant type: single nucleotide variant.
Coding change: c.1641C>T on transcript NM_001199107.2 (MANE Select); coding-DNA position 1641, C replaced by T.
Protein change: p.Ala547=; no amino-acid change (alanine 547 retained).
Molecular consequence: synonymous variant.
Genome position (GRCh38, 1-based): chr16:2,500,919, C>T. VCF-style: chr16-2500919-C-T. GRCh37 (hg19) VCF-style: chr16-2550920-C-T.
Other names: c.1623C>T, p.Ala541= (NM_020705.3).
Identifiers: ClinVar variation 681877 (VCV000681877.13), dbSNP rs553215090, ClinGen allele CA276810052.